The following is an entry in ClinVar:

NM_000278.5(PAX2):c.327G>A (p.Met109Ile)

Gene: PAX2 (paired box 2; plus strand). Cytogenetic location: 10q24.31.
Variant type: single nucleotide variant.
Coding change: c.327G>A on transcript NM_000278.5 (MANE Select); coding-DNA position 327, G replaced by A.
Protein change: p.Met109Ile; replaces methionine 109 with isoleucine.
Molecular consequence: missense variant.
Genome position (GRCh38, 1-based): chr10:100,750,808, G>A. VCF-style: chr10-100750808-G-A. GRCh37 (hg19) VCF-style: chr10-102510565-G-A.
Other names: c.420G>A, p.Met140Ile (NM_001304569.2); c.327G>A, p.Met109Ile (NM_003987.5, NM_003988.5, NM_003989.5 and 1 more transcripts); short protein forms M109I, M140I.
Identifiers: ClinVar variation 2008919 (VCV002008919.4), dbSNP rs2492899705, ClinGen allele CA378258036.

ClinVar aggregate classification (germline): Uncertain significance (1 of 4 stars; one submission).

Conditions:
Focal segmental glomerulosclerosis 7 (FSGS7). Identifiers: Orphanet 656, MedGen C4014925, MONDO:0014451, OMIM 616002.
Renal coloboma syndrome (PAPRS). Also called: RENAL-COLOBOMA SYNDROME WITH MACULAR ABNORMALITIES; COLOBOMA OF OPTIC NERVE WITH RENAL DISEASE; OPTIC COLOBOMA, VESICOURETERAL REFLUX, AND RENAL ANOMALIES; OPTIC NERVE COLOBOMA WITH RENAL DISEASE; PAPILLORENAL SYNDROME; PAPILLORENAL SYNDROME WITH MILD OCULAR ABNORMALITIES. Identifiers: Orphanet 1475, MedGen C1852759, MONDO:0007352, OMIM 120330.

Submission:

Labcorp Genetics (formerly Invitae), Labcorp
Classification: Uncertain significance for Renal coloboma syndrome; Focal segmental glomerulosclerosis 7. Last evaluated: 2022-08-12. Review status: criteria provided, single submitter. Criteria: Invitae Variant Classification Sherloc (09022015). Collection method: clinical testing. Allele origin: germline.
Comment: In summary, the available evidence is currently insufficient to determine the role of this variant in disease. Therefore, it has been classified as a Variant of Uncertain Significance. Experimental studies and prediction algorithms are not available or were not evaluated, and the functional significance of this variant is currently unknown. This variant has not been reported in the literature in individuals affected with PAX2-related conditions. This variant is not present in population databases (gnomAD no frequency). This sequence change replaces methionine, which is neutral and non-polar, with isoleucine, which is neutral and non-polar, at codon 109 of the PAX2 protein (p.Met109Ile).